The following is an entry in ClinVar:

ClinVar aggregate classification (germline): Uncertain significance (1 of 4 stars; one submission).

Submission:

Labcorp Genetics (formerly Invitae), Labcorp
Classification: Uncertain significance. Last evaluated: 2024-10-13. Review status: criteria provided, single submitter. Criteria: Invitae Variant Classification Sherloc (09022015). Collection method: clinical testing. Allele origin: germline.
Comment: This sequence change replaces lysine, which is basic and polar, with asparagine, which is neutral and polar, at codon 614 of the PALS1 protein (p.Lys614Asn). This variant is not present in population databases (gnomAD no frequency). This variant has not been reported in the literature in individuals affected with PALS1-related conditions. An algorithm developed to predict the effect of missense changes on protein structure and function (PolyPhen-2) suggests that this variant is likely to be disruptive. In summary, the available evidence is currently insufficient to determine the role of this variant in disease. Therefore, it has been classified as a Variant of Uncertain Significance.

NM_022474.4(PALS1):c.1842G>T (p.Lys614Asn)

Genes: GPHN (gephyrin; plus strand), PALS1 (protein associated with LIN7 1, MAGUK p55 family member; plus strand). Cytogenetic location: 14q23.3.
Variant type: single nucleotide variant.
Coding change: c.1842G>T on transcript NM_022474.4 (MANE Select); coding-DNA position 1842, G replaced by T.
Protein change: p.Lys614Asn; replaces lysine 614 with asparagine.
Molecular consequence: missense variant.
Genome position (GRCh38, 1-based): chr14:67,323,803, G>T. VCF-style: chr14-67323803-G-T. GRCh37 (hg19) VCF-style: chr14-67790520-G-T.
Other names: c.1740G>T, p.Lys580Asn (NM_001256550.2); short protein forms K580N, K614N.
Identifiers: ClinVar variation 3722854 (VCV003722854.2).
Genomic context (GRCh38, chr14:67,323,803, plus strand): 5'-TATCTTCATTGCACCCCCTTCACAAGAAAGACTTCGGGCATTATTGGCCAAAGAAGGCAA[G>T]AATCCAAAGGTAAAGTTTTCACACTATTGTACTATTCCATTGAAGGTAAACATGAAACAG-3'
Protein context (NP_071919.2, residues 604-624): RLRALLAKEG[Lys614Asn]NPKPEELREI